The following is an entry in ClinVar:

ClinVar aggregate classification (germline): Likely pathogenic (1 of 4 stars; one submission).

Allele frequency attached by ClinVar (database versions not stated): gnomAD 0.00001.
gnomAD v4.1: 5 of 1,612,456 alleles (0.00031%); highest among the groups gnomAD compares: African/African-American, 0.0013%; no homozygotes.

Submission:

GeneDx
Classification: Likely pathogenic. Last evaluated: 2017-01-24. Review status: criteria provided, single submitter. Criteria: GeneDx Variant Classification (06012015). Collection method: clinical testing. Allele origin: germline. Affected: yes.
Comment: The C590R variant has been reported previously in a patient with LAD-1, where functional study showed that the variant resulted in decreased ligand binding abilities (Shaw et al., 2001). It was not observed in approximately 6,500 individuals of European and African American ancestry in the NHLBI Exome Sequencing Project, indicating it is not a common benign variant in these populations. C590R is a non-conservative amino acid substitution, which is likely to impact secondary protein structure as these residues differ in polarity, charge, size and/or other properties. This substitution occurs at a position that is conserved across species and in silico analysis predicts this variant is probably damaging to the protein structure/function. Additionally, missense variants in nearby residues (R586W, R593C) have been reported in the Human Gene Mutation Database in association with (LAD) (Stenson et al., 2014), supporting the functional importance of this region of the protein. Therefore, this variant is likely pathogenic; however, the possibility that it is benign cannot be excluded.

NM_000211.5(ITGB2):c.1768T>C (p.Cys590Arg)

Gene: ITGB2 (integrin subunit beta 2; minus strand). Cytogenetic location: 21q22.3.
Variant type: single nucleotide variant.
Coding change: c.1768T>C on transcript NM_000211.5 (MANE Select); coding-DNA position 1768, T replaced by C.
Protein change: p.Cys590Arg; replaces cysteine 590 with arginine.
Molecular consequence: missense variant.
Genome position (GRCh38, 1-based): chr21:44,889,385, A>G on the plus strand (T>C on the coding strand, the complement: ITGB2 is on the minus strand). VCF-style: chr21-44889385-A-G. GRCh37 (hg19) VCF-style: chr21-46309300-A-G.
Other names: c.1768T>C (LRG_76t1); c.1768T>C, p.Cys590Arg (NM_001127491.3); c.1561T>C, p.Cys521Arg (NM_001303238.2); short protein forms C590R, C521R.
Identifiers: ClinVar variation 420119 (VCV000420119.2), dbSNP rs1064794298, ClinGen allele CA16621023.
Genomic context (GRCh38, chr21:44,889,385, plus strand): 5'-GCAGCTGGTAGCCTGAATGGCACTCGCATACGTTGCAGCGGCACCGGCCACGACCACTAC[A>G]CTCAACACGCCGCGGGTTCAGGCAGCCCTCAGTGGTCCTCTCGCACTGGCACGCTGAGCC-3'
Protein context (NP_000202.3, residues 580-600): EGCLNPRRVE[Cys590Arg]SGRGRCRCNV